The following is an entry in ClinVar:

NM_173477.5(USH1G):c.563G>A (p.Arg188His)

Gene: USH1G (USH1 protein network component sans; minus strand). Cytogenetic location: 17q25.1.
Variant type: single nucleotide variant.
Coding change: c.563G>A on transcript NM_173477.5 (MANE Select); coding-DNA position 563, G replaced by A.
Protein change: p.Arg188His; replaces arginine 188 with histidine.
Molecular consequence: missense variant.
Genome position (GRCh38, 1-based): chr17:74,920,273, C>T on the plus strand (G>A on the coding strand, the complement: USH1G is on the minus strand). VCF-style: chr17-74920273-C-T. GRCh37 (hg19) VCF-style: chr17-72916368-C-T.
Other names: c.254G>A, p.Arg85His (NM_001282489.3); c.563G>A (NM_173477.2); short protein forms R188H, R85H.
Identifiers: ClinVar variation 1047047 (VCV001047047.10), dbSNP rs201123735, ClinGen allele CA8754046.

ClinVar aggregate classification (germline): Uncertain significance. Review status: criteria provided, multiple submitters, no conflicts (2 of 4 stars). 3 submissions from 3 submitters: Uncertain significance (3). Last evaluated 2025-08-15.

Conditions:
Inborn genetic diseases. Identifiers: MedGen C0950123, MeSH D030342.

Submissions (3):

Ambry Genetics
Classification: Uncertain significance for Inborn genetic diseases. Last evaluated: 2025-08-15. Review status: criteria provided, single submitter. Criteria: Ambry Variant Classification Scheme 2023. Collection method: clinical testing. Allele origin: germline.

Labcorp Genetics (formerly Invitae), Labcorp
Classification: Uncertain significance. Last evaluated: 2024-10-25. Review status: criteria provided, single submitter. Criteria: Invitae Variant Classification Sherloc (09022015). Collection method: clinical testing. Allele origin: germline.
Comment: This sequence change replaces arginine, which is basic and polar, with histidine, which is basic and polar, at codon 188 of the USH1G protein (p.Arg188His). This variant is present in population databases (rs201123735, gnomAD 0.006%). This variant has not been reported in the literature in individuals affected with USH1G-related conditions. ClinVar contains an entry for this variant (Variation ID: 1047047). Invitae Evidence Modeling of protein sequence and biophysical properties (such as structural, functional, and spatial information, amino acid conservation, physicochemical variation, residue mobility, and thermodynamic stability) indicates that this missense variant is not expected to disrupt USH1G protein function with a negative predictive value of 80%. In summary, the available evidence is currently insufficient to determine the role of this variant in disease. Therefore, it has been classified as a Variant of Uncertain Significance.

GeneDx
Classification: Uncertain significance. Last evaluated: 2022-08-10. Review status: criteria provided, single submitter. Criteria: GeneDx Variant Classification Process June 2021. Collection method: clinical testing. Allele origin: germline. Affected: yes.
Comment: Not observed at significant frequency in large population cohorts (gnomAD); In silico analysis supports that this missense variant has a deleterious effect on protein structure/function; Has not been previously published as pathogenic or benign to our knowledge